The following is an entry in ClinVar:

NM_003482.4(KMT2D):c.12759C>T (p.Leu4253=)

Gene: KMT2D (lysine methyltransferase 2D; minus strand). Cytogenetic location: 12q13.12.
Variant type: single nucleotide variant.
Coding change: c.12759C>T on transcript NM_003482.4 (MANE Select); coding-DNA position 12759, C replaced by T.
Protein change: p.Leu4253=; no amino-acid change (leucine 4253 retained).
Molecular consequence: synonymous variant.
Genome position (GRCh38, 1-based): chr12:49,031,946, G>A on the plus strand (C>T on the coding strand, the complement: KMT2D is on the minus strand). VCF-style: chr12-49031946-G-A. GRCh37 (hg19) VCF-style: chr12-49425729-G-A.
Identifiers: ClinVar variation 3054873 (VCV003054873.2), dbSNP rs754858940, ClinGen allele CA6546138.

ClinVar aggregate classification (germline): Likely benign (0 of 4 stars; one submission).

Conditions:
KMT2D-related disorder. Also called: KMT2D-Related Disorders.

Allele frequency attached by ClinVar (database versions not stated): gnomAD exomes below 0.00001; ExAC 0.00001.
gnomAD v4.1: 2 of 1,550,362 alleles (0.00013%); highest among the groups gnomAD compares: Non-Finnish European, 0.000087%; no homozygotes.

Submission:

PreventionGenetics, part of Exact Sciences
Classification: Likely benign for KMT2D-related condition. Last evaluated: 2022-08-30. Review status: no assertion criteria provided. Collection method: clinical testing. Allele origin: germline.
Comment: This variant is classified as likely benign based on ACMG/AMP sequence variant interpretation guidelines (Richards et al. 2015 PMID: 25741868, with internal and published modifications).